The following is an entry in ClinVar:

ClinVar aggregate classification (germline): Uncertain significance (1 of 4 stars; one submission).

Conditions:
Cystic fibrosis (CF). Also called: MUCOVISCIDOSIS. Identifiers: Orphanet 586, MedGen C0010674, MONDO:0009061, OMIM 219700. Disease mechanism: loss of function.

gnomAD v4.1: 16 of 152,156 alleles (0.011%); highest among the groups gnomAD compares: Non-Finnish European, 0.018%; no homozygotes.

Submission:

Johns Hopkins Genomics, Johns Hopkins University
Classification: Uncertain significance for Cystic fibrosis. Last evaluated: 2024-12-17. Review status: criteria provided, single submitter. Criteria: ACMG Guidelines, 2015. Collection method: clinical testing. Allele origin: germline.
Comment: Variant of uncertain clinical significance that is not predicted to alter splicing.

NM_000492.4(CFTR):c.53+5863A>C

Gene: CFTR (CF transmembrane conductance regulator; plus strand). Cytogenetic location: 7q31.2.
Variant type: single nucleotide variant.
Coding change: c.53+5863A>C on transcript NM_000492.4 (MANE Select); 5863 bases into the intron after coding-DNA position 53, A replaced by C.
Molecular consequence: intron variant.
Genome position (GRCh38, 1-based): chr7:117,486,010, A>C. VCF-style: chr7-117486010-A-C. GRCh37 (hg19) VCF-style: chr7-117126064-A-C.
Identifiers: ClinVar variation 4280115 (VCV004280115.1).